The following is an entry in ClinVar:

NM_000458.4(HNF1B):c.1507G>A (p.Ala503Thr)

Gene: HNF1B (HNF1 homeobox B; minus strand). Cytogenetic location: 17q12.
Variant type: single nucleotide variant.
Coding change: c.1507G>A on transcript NM_000458.4 (MANE Select); coding-DNA position 1507, G replaced by A.
Protein change: p.Ala503Thr; replaces alanine 503 with threonine.
Molecular consequence: missense variant. On other transcripts: intron variant (1).
Genome position (GRCh38, 1-based): chr17:37,701,010, C>T on the plus strand (G>A on the coding strand, the complement: HNF1B is on the minus strand). VCF-style: chr17-37701010-C-T. GRCh37 (hg19) VCF-style: chr17-36061015-C-T.
Other names: c.1429G>A, p.Ala477Thr (NM_001165923.4); c.1507G>A, p.Ala503Thr (NM_001411100.1); c.1261+3907G>A (NM_001304286.2); short protein forms A477T, A503T.
Identifiers: ClinVar variation 1706837 (VCV001706837.2), dbSNP rs1005005567, ClinGen allele CA398754750.
Genomic context (GRCh38, chr17:37,701,010, plus strand): 5'-GTGCTCCCTCCCTCCACATGCCCGTGTCCTTACTGTGTGAGTTCTGCAGCTGAGTCACAG[C>T]TGCCATGAAGGGCTGCTGGGCCATGTGGCTGCCTGGGCTCTGCTGCATGAGGGGCTGCTG-3'
Protein context (NP_000449.1, residues 493-513): SHMAQQPFMA[Ala503Thr]VTQLQNSHMY

ClinVar aggregate classification (germline): Uncertain significance (1 of 4 stars; one submission).

Submission:

GeneDx
Classification: Uncertain significance. Last evaluated: 2022-03-15. Review status: criteria provided, single submitter. Criteria: GeneDx Variant Classification Process June 2021. Collection method: clinical testing. Allele origin: germline. Affected: yes.
Comment: Not observed at significant frequency in large population cohorts (gnomAD); In silico analysis supports that this missense variant does not alter protein structure/function; Has not been previously published as pathogenic or benign to our knowledge